The following is an entry in ClinVar:

ClinVar aggregate classification (germline): Uncertain significance (1 of 4 stars; one submission).

Submission:

Ambry Genetics
Classification: Uncertain significance. Last evaluated: 2025-12-17. Review status: criteria provided, single submitter. Criteria: Ambry Variant Classification Scheme 2023. Collection method: clinical testing. Allele origin: germline.
Comment: The c.3380-5C>G intronic variant results from a C to G substitution 5 nucleotides upstream from coding exon 3 in the MLH3 gene. This nucleotide position is not well conserved in available vertebrate species. In silico splice site analysis predicts that this alteration may weaken the native splice acceptor site. The evidence for this gene-disease relationship is limited; therefore, the clinical significance of this alteration is unclear.

NM_001040108.2(MLH3):c.3380-5C>G

Gene: MLH3 (mutL homolog 3; minus strand). Cytogenetic location: 14q24.3.
Variant type: single nucleotide variant.
Coding change: c.3380-5C>G on transcript NM_001040108.2 (MANE Select); 5 bases into the intron before coding-DNA position 3380, C replaced by G.
Molecular consequence: intron variant.
Genome position (GRCh38, 1-based): chr14:75,041,705, G>C on the plus strand (C>G on the coding strand, the complement: MLH3 is on the minus strand). VCF-style: chr14-75041705-G-C. GRCh37 (hg19) VCF-style: chr14-75508408-G-C.
Other names: c.3380-5C>G (NM_014381.3).
Identifiers: ClinVar variation 4844424 (VCV004844424.1).